The following is an entry in ClinVar:

NM_147686.4(TRAF3IP2):c.1201+69G>A

Genes: TRAF3IP2 (TRAF3 interacting protein 2; minus strand), TRAF3IP2-AS1 (TRAF3IP2 antisense RNA 1; plus strand). Cytogenetic location: 6q21.
Variant type: single nucleotide variant.
Coding change: c.1201+69G>A on transcript NM_147686.4 (MANE Select); 69 bases into the intron after coding-DNA position 1201, G replaced by A.
Molecular consequence: intron variant.
Genome position (GRCh38, 1-based): chr6:111,575,574, C>T on the plus strand (G>A on the coding strand, the complement: TRAF3IP2 is on the minus strand). VCF-style: chr6-111575574-C-T. GRCh37 (hg19) VCF-style: chr6-111896777-C-T.
Other names: c.1201+69G>A (NM_001164281.3); c.1228+69G>A (NM_147200.3).
Identifiers: ClinVar variation 2688002 (VCV002688002.2), dbSNP rs12192705, ClinGen allele CA16276619.
Genomic context (GRCh38, chr6:111,575,574, plus strand): 5'-GGAGGCGGAGCTTGCAGTGAGCTGAGATCGCACCACTGCACTCCAGCCTGGGCAACAGAG[C>T]GAGACTCCGTCTCAAAAAAAAAAAAAAAAAAAAAGAGGAAGGAGAGAACAATGTTGCAAA-3'

ClinVar aggregate classification (germline): Benign (1 of 4 stars; one submission).

Allele frequency attached by ClinVar (database versions not stated): TOPMed 0.36463; 1000 Genomes Project 30x 0.37336; 1000 Genomes Project 0.38179; gnomAD 0.40621.

Submission:

Unidad de Genómica Garrahan, Hospital de Pediatría Garrahan
Classification: Benign. Last evaluated: 2024-01-24. Review status: criteria provided, single submitter. Criteria: ACMG Guidelines, 2015. Collection method: clinical testing. Allele origin: germline. Affected: no. Observed: 70 variant alleles.
Comment: This variant is classified as Benign based on local population frequency. This variant was detected in 74% of patients studied by a panel of primary immunodeficiencies. Number of patients: 70. Only high quality variants are reported.